The following is an entry in ClinVar:

NM_000441.2(SLC26A4):c.2152T>G (p.Phe718Val)

Genes: SLC26A4 (solute carrier family 26 member 4; plus strand), LOC123956210 (Sharpr-MPRA regulatory region 3291; plus strand). Cytogenetic location: 7q22.3.
Variant type: single nucleotide variant.
Coding change: c.2152T>G on transcript NM_000441.2 (MANE Select); coding-DNA position 2152, T replaced by G.
Protein change: p.Phe718Val; replaces phenylalanine 718 with valine.
Molecular consequence: missense variant.
Genome position (GRCh38, 1-based): chr7:107,710,116, T>G. VCF-style: chr7-107710116-T-G. GRCh37 (hg19) VCF-style: chr7-107350561-T-G.
Other names: short protein forms F718V.
Identifiers: ClinVar variation 1489742 (VCV001489742.5), dbSNP rs1792140608, ClinGen allele CA368845796.

ClinVar aggregate classification (germline): Uncertain significance (1 of 4 stars; one submission).

Allele frequency attached by ClinVar (database versions not stated): gnomAD 0.00001; gnomAD exomes 0.00001; TOPMed 0.00001.
gnomAD v4.1: 18 of 1,610,290 alleles (0.0011%); highest among the groups gnomAD compares: Admixed American, 0.027%; 1 homozygote.

Submission:

Labcorp Genetics (formerly Invitae), Labcorp
Classification: Uncertain significance. Last evaluated: 2021-09-17. Review status: criteria provided, single submitter. Criteria: Invitae Variant Classification Sherloc (09022015). Collection method: clinical testing. Allele origin: germline.
Comment: This sequence change replaces phenylalanine with valine at codon 718 of the SLC26A4 protein (p.Phe718Val). The phenylalanine residue is highly conserved and there is a small physicochemical difference between phenylalanine and valine. This variant is not present in population databases (ExAC no frequency). This variant has not been reported in the literature in individuals affected with SLC26A4-related conditions. Advanced modeling of protein sequence and biophysical properties (such as structural, functional, and spatial information, amino acid conservation, physicochemical variation, residue mobility, and thermodynamic stability) performed at Invitae indicates that this missense variant is not expected to disrupt SLC26A4 protein function. In summary, the available evidence is currently insufficient to determine the role of this variant in disease. Therefore, it has been classified as a Variant of Uncertain Significance.